The following is an entry in ClinVar:

NM_001401501.2(MUC16):c.38250C>T (p.Leu12750=)

Gene: MUC16 (mucin 16, cell surface associated; minus strand). Cytogenetic location: 19p13.2.
Variant type: single nucleotide variant.
Coding change: c.38250C>T on transcript NM_001401501.2 (MANE Select); coding-DNA position 38250, C replaced by T.
Protein change: p.Leu12750=; no amino-acid change (leucine 12750 retained).
Molecular consequence: synonymous variant.
Genome position (GRCh38, 1-based): chr19:8,905,997, G>A on the plus strand (C>T on the coding strand, the complement: MUC16 is on the minus strand). VCF-style: chr19-8905997-G-A. GRCh37 (hg19) VCF-style: chr19-9016673-G-A.
Other names: c.38676C>T, p.Leu12892= (NM_001414686.1); c.38130C>T, p.Leu12710= (NM_001414687.1); c.38064C>T, p.Leu12688= (NM_024690.2).
Identifiers: ClinVar variation 3049390 (VCV003049390.2), dbSNP rs193119778, ClinGen allele CA9164779.

ClinVar aggregate classification (germline): Benign (0 of 4 stars; one submission).

Conditions:
MUC16-related disorder. Also called: MUC16-related condition.

Allele frequency attached by ClinVar (database versions not stated): ExAC 0.00182; ESP Exome Variant Server 0.00449; gnomAD 0.00690; TOPMed 0.00815; 1000 Genomes Project 0.01258; 1000 Genomes Project 30x 0.01452.

Submission:

PreventionGenetics, part of Exact Sciences
Classification: Benign for MUC16-related condition. Last evaluated: 2019-07-12. Review status: no assertion criteria provided. Collection method: clinical testing. Allele origin: germline.
Comment: This variant is classified as benign based on ACMG/AMP sequence variant interpretation guidelines (Richards et al. 2015 PMID: 25741868, with internal and published modifications).